The following is an entry in ClinVar:

NM_007180.3(TREH):c.1525A>T (p.Lys509Ter)

Genes: TREH (trehalase; minus strand), LOC112042778 (Sharpr-MPRA regulatory region 11464; plus strand). Cytogenetic location: 11q23.3.
Variant type: single nucleotide variant.
Coding change: c.1525A>T on transcript NM_007180.3 (MANE Select); coding-DNA position 1525, A replaced by T.
Protein change: p.Lys509Ter; replaces lysine 509 with a stop codon.
Molecular consequence: nonsense.
Genome position (GRCh38, 1-based): chr11:118,658,925, T>A on the plus strand (A>T on the coding strand, the complement: TREH is on the minus strand). VCF-style: chr11-118658925-T-A. GRCh37 (hg19) VCF-style: chr11-118529634-T-A.
Other names: c.1432A>T, p.Lys478Ter (NM_001301065.2); short protein forms K478*, K509*.
Identifiers: ClinVar variation 3042055 (VCV003042055.1), dbSNP rs201467126, ClinGen allele CA6307772.

ClinVar aggregate classification (germline): Uncertain significance (1 of 4 stars; one submission).

Conditions:
TREH-related disorder. Also called: TREH-related condition.

Allele frequency attached by ClinVar (database versions not stated): ExAC 0.00041; ESP Exome Variant Server 0.00064; TOPMed 0.00066; gnomAD 0.00075; gnomAD exomes 0.00127.
gnomAD v4.1: 1,939 of 1,613,800 alleles (0.12%); highest among the groups gnomAD compares: Non-Finnish European, 0.16%; 3 homozygotes.

Submission:

PreventionGenetics, part of Exact Sciences
Classification: Uncertain significance for TREH-related condition. Last evaluated: 2024-02-29. Review status: criteria provided, single submitter. Criteria: ACMG Guidelines, 2015. Collection method: clinical testing. Allele origin: germline.
Comment: The TREH c.1525A>T variant is predicted to result in premature protein termination (p.Lys509*). To our knowledge, this variant has not been reported in the literature. This variant is reported in 0.097% of alleles in individuals of European (Non-Finnish) descent in gnomAD. Although we suspect that this variant may be benign, at this time, the clinical significance of this variant is uncertain due to the absence of conclusive functional and genetic evidence.